The following is an entry in ClinVar:

NM_000093.5(COL5A1):c.2578C>T (p.Pro860Ser)

Gene: COL5A1 (collagen type V alpha 1 chain; plus strand). Cytogenetic location: 9q34.3.
Variant type: single nucleotide variant.
Coding change: c.2578C>T on transcript NM_000093.5 (MANE Select); coding-DNA position 2578, C replaced by T.
Protein change: p.Pro860Ser; replaces proline 860 with serine.
Molecular consequence: missense variant.
Genome position (GRCh38, 1-based): chr9:134,785,082, C>T. VCF-style: chr9-134785082-C-T. GRCh37 (hg19) VCF-style: chr9-137676928-C-T.
Other names: c.2578C>T, p.Pro860Ser (NM_001278074.1); short protein forms P860S.
Identifiers: ClinVar variation 1722776 (VCV001722776.2), dbSNP rs1837407434, ClinGen allele CA375454485.

ClinVar aggregate classification (germline): Uncertain significance (1 of 4 stars; one submission).

Allele frequency attached by ClinVar (database versions not stated): TOPMed below 0.00001.

Submission:

GeneDx
Classification: Uncertain significance. Last evaluated: 2022-05-02. Review status: criteria provided, single submitter. Criteria: GeneDx Variant Classification Process June 2021. Collection method: clinical testing. Allele origin: germline. Affected: yes.
Comment: Not observed at significant frequency in large population cohorts (gnomAD); In silico analysis supports that this missense variant does not alter protein structure/function; Has not been previously published as pathogenic or benign to our knowledge; Occurs in the triple helical domain at the X position in the canonical Gly-X-Y repeat; although this variant may have an effect on normal protein folding and function, missense substitution at the X position is not a common mechanism of disease (Symoens et al., 2012; HGMD)